The following is an entry in ClinVar:

ClinVar aggregate classification (germline): Uncertain significance. Review status: criteria provided, multiple submitters, no conflicts (2 of 4 stars). 2 submissions from 2 submitters: Uncertain significance (2). Last evaluated 2025-06-01.

Conditions:
Cardiovascular phenotype. Identifiers: MedGen CN230736.
Hypercholesterolemia, autosomal dominant, 3 (FHCL3). Also called: PCSK9-Related Familial Hypercholesterolemia, Autosomal Dominant; Familial Hypercholesterolemia, Autosomal Dominant, 3; Familial hypercholesterolemia 3. Identifiers: MedGen C1863551, MONDO:0011369, OMIM 603776.

Allele frequency attached by ClinVar (database versions not stated): gnomAD exomes below 0.00001.

Submissions (2):

Ambry Genetics
Classification: Uncertain significance for Cardiovascular phenotype. Last evaluated: 2025-06-01. Review status: criteria provided, single submitter. Criteria: Ambry Variant Classification Scheme 2023. Collection method: clinical testing. Allele origin: germline.
Comment: The p.A617T variant (also known as c.1849G>A), located in coding exon 11 of the PCSK9 gene, results from a G to A substitution at nucleotide position 1849. The alanine at codon 617 is replaced by threonine, an amino acid with similar properties. This amino acid position is conserved. In addition, this alteration is predicted to be tolerated by in silico analysis. Based on the available evidence, the clinical significance of this variant remains unclear.

All of Us Research Program, National Institutes of Health
Classification: Uncertain significance for Hypercholesterolemia, autosomal dominant, 3. Last evaluated: 2023-04-10. Review status: criteria provided, single submitter. Criteria: ACMG Guidelines, 2015. Collection method: clinical testing. Allele origin: germline. Inheritance: Autosomal dominant inheritance. Observed: 1 variant allele, 1 heterozygote.
Comment: This missense variant replaces alanine with threonine at codon 617 of the PCSK9 protein. Computational prediction suggests that this variant may not impact protein structure and function (internally defined REVEL score threshold <= 0.5, PMID: 27666373). To our knowledge, functional studies have not been reported for this variant. This variant has not been reported in individuals affected with PCSK9-related disorders in the literature. This variant has been identified in 1/218438 chromosomes in the general population by the Genome Aggregation Database (gnomAD). The available evidence is insufficient to determine the role of this variant in disease conclusively. Therefore, this variant is classified as a Variant of Uncertain Significance.

This study involves interpretation of variants in research participants for the purpose of population health screening. Participant phenotype was not available at the time of variant classification. Additional details can be found in publication PMID: 35346344, PMCID: PMC8962531

NM_174936.4(PCSK9):c.1849G>A (p.Ala617Thr)

Gene: PCSK9 (proprotein convertase subtilisin/kexin type 9; plus strand). Cytogenetic location: 1p32.3.
Variant type: single nucleotide variant.
Coding change: c.1849G>A on transcript NM_174936.4 (MANE Select); coding-DNA position 1849, G replaced by A.
Protein change: p.Ala617Thr; replaces alanine 617 with threonine.
Molecular consequence: missense variant. On other transcripts: non-coding transcript variant (8).
Genome position (GRCh38, 1-based): chr1:55,061,542, G>A. VCF-style: chr1-55061542-G-A. GRCh37 (hg19) VCF-style: chr1-55527215-G-A.
Other names: c.1972G>A, p.Ala658Thr (NM_001407240.1); c.1891G>A, p.Ala631Thr (NM_001407241.1); c.1852G>A, p.Ala618Thr (NM_001407242.1); c.1792G>A, p.Ala598Thr (NM_001407243.1); c.1675G>A, p.Ala559Thr (NM_001407244.1); c.1657G>A, p.Ala553Thr (NM_001407245.1); c.1474G>A, p.Ala492Thr (NM_001407246.1); c.1348G>A, p.Ala450Thr (NM_001407247.1); short protein forms A450T, A492T, A553T, A559T, A598T, A617T, A618T, A631T.
Identifiers: ClinVar variation 3070463 (VCV003070463.2), dbSNP rs1335284822, ClinGen allele CA340480504.